The following is an entry in ClinVar:

NM_133510.4(RAD51B):c.632C>A (p.Ser211Tyr)

Gene: RAD51B (RAD51 paralog B; plus strand). Cytogenetic location: 14q24.1.
Variant type: single nucleotide variant.
Coding change: c.632C>A on transcript NM_133510.4 (MANE Select); coding-DNA position 632, C replaced by A.
Protein change: p.Ser211Tyr; replaces serine 211 with tyrosine.
Molecular consequence: missense variant.
Genome position (GRCh38, 1-based): chr14:67,887,080, C>A. VCF-style: chr14-67887080-C-A. GRCh37 (hg19) VCF-style: chr14-68353797-C-A.
Other names: c.632C>A, p.Ser211Tyr (NM_001321809.2, NM_001321810.2, NM_001321812.1 and 6 more transcripts); c.518C>A, p.Ser173Tyr (NM_001321815.1); c.275C>A, p.Ser92Tyr (NM_001321817.2); short protein forms S92Y, S211Y, S173Y.
Identifiers: ClinVar variation 3942287 (VCV003942287.1).

ClinVar aggregate classification (germline): Uncertain significance (1 of 4 stars; one submission).

gnomAD v4.1: 12 of 1,579,000 alleles (0.00076%); highest among the groups gnomAD compares: African/African-American, 0.0054%; no homozygotes.

Submission:

Ambry Genetics
Classification: Uncertain significance. Last evaluated: 2025-04-04. Review status: criteria provided, single submitter. Criteria: Ambry Variant Classification Scheme 2023. Collection method: clinical testing. Allele origin: germline.
Comment: The p.S211Y variant (also known as c.632C>A), located in coding exon 6 of the RAD51B gene, results from a C to A substitution at nucleotide position 632. The serine at codon 211 is replaced by tyrosine, an amino acid with dissimilar properties. This amino acid position is conserved. In addition, this alteration is predicted to be deleterious by in silico analysis. Based on the available evidence, the clinical significance of this variant remains unclear.